The following is an entry in ClinVar:

ClinVar aggregate classification (germline): Conflicting classifications of pathogenicity. Review status: criteria provided, conflicting classifications (1 of 4 stars). 6 submissions from 6 submitters: Uncertain significance (2); Likely benign (3). 1 of the submissions does not count toward it. Last evaluated 2026-01-26.

Conditions:
WHRN-related disorder. Also called: WHRN-related condition.

Allele frequency attached by ClinVar (database versions not stated): gnomAD 0.00004 and 0.00028; TOPMed 0.00006; ESP Exome Variant Server 0.00008; gnomAD exomes 0.00043; ExAC 0.00051; 1000 Genomes Project 30x 0.00109; 1000 Genomes Project 0.00120.
gnomAD v4.1: 383 of 1,614,190 alleles (0.024%); highest among the groups gnomAD compares: South Asian, 0.32%; 2 homozygotes.

Submissions (6):

Labcorp Genetics (formerly Invitae), Labcorp
Classification: Likely benign. Last evaluated: 2026-01-26. Review status: criteria provided, single submitter. Criteria: Invitae Variant Classification Sherloc (09022015). Collection method: clinical testing. Allele origin: germline.

Blueprint Genetics
Classification: Likely benign. Last evaluated: 2024-10-28. Review status: criteria provided, single submitter. Criteria: ACMG Guidelines, 2015. Collection method: clinical testing. Allele origin: germline.

Revvity Omics, Revvity
Classification: Uncertain significance. Last evaluated: 2021-02-18. Review status: criteria provided, single submitter. Criteria: ACMG Guidelines, 2015. Collection method: clinical testing. Allele origin: germline.

Laboratory for Molecular Medicine, Mass General Brigham Personalized Medicine
Classification: Likely benign. Last evaluated: 2016-01-07. Review status: criteria provided, single submitter. Criteria: LMM Criteria. Collection method: clinical testing. Allele origin: germline. Observed: 2 variant alleles.
Comment: p.Val735Ile in exon 9 of DFNB31: This variant is not expected to have clinical significance because it has been identified in 0.3% (53/16512) of South Asian ch romosomes by the Exome Aggregation Consortium (ExAC. org; dbSNP rs373552185).

Eurofins Ntd Llc (ga)
Classification: Uncertain significance. Last evaluated: 2015-01-16. Review status: criteria provided, single submitter. Criteria: EGL Classification Definitions 2015. Collection method: clinical testing. Allele origin: germline. Observed: 1 variant allele, 1 heterozygote.

PreventionGenetics, part of Exact Sciences
Classification: Likely benign for WHRN-related condition. Last evaluated: 2023-04-04. Review status: no assertion criteria provided. Collection method: clinical testing. Allele origin: germline. Not counted in ClinVar's aggregate classification.
Comment: This variant is classified as likely benign based on ACMG/AMP sequence variant interpretation guidelines (Richards et al. 2015 PMID: 25741868, with internal and published modifications).

NM_015404.4(WHRN):c.2203G>A (p.Val735Ile)

Gene: WHRN (whirlin; minus strand). Cytogenetic location: 9q32.
Variant type: single nucleotide variant.
Coding change: c.2203G>A on transcript NM_015404.4 (MANE Select); coding-DNA position 2203, G replaced by A.
Protein change: p.Val735Ile; replaces valine 735 with isoleucine.
Molecular consequence: missense variant.
Genome position (GRCh38, 1-based): chr9:114,406,388, C>T on the plus strand (G>A on the coding strand, the complement: WHRN is on the minus strand). VCF-style: chr9-114406388-C-T. GRCh37 (hg19) VCF-style: chr9-117168668-C-T.
Other names: c.1054G>A, p.Val352Ile (NM_001083885.3); c.2203G>A, p.Val735Ile (NM_001173425.2); c.1150G>A, p.Val384Ile (NM_001346890.1); short protein forms V735I, V384I, V352I.
Identifiers: ClinVar variation 199137 (VCV000199137.25), dbSNP rs373552185, ClinGen allele CA248169.